The following is an entry in ClinVar:

NM_001122764.3(PPOX):c.70G>A (p.Ala24Thr)

Gene: PPOX (protoporphyrinogen oxidase; plus strand). Cytogenetic location: 1q23.3.
Variant type: single nucleotide variant.
Coding change: c.70G>A on transcript NM_001122764.3 (MANE Select); coding-DNA position 70, G replaced by A.
Protein change: p.Ala24Thr; replaces alanine 24 with threonine.
Molecular consequence: missense variant. On other transcripts: 5 prime UTR variant (5).
Genome position (GRCh38, 1-based): chr1:161,166,917, G>A. VCF-style: chr1-161166917-G-A. GRCh37 (hg19) VCF-style: chr1-161136707-G-A.
Other names: c.70G>A, p.Ala24Thr (NM_000309.5, NM_001350128.2, NM_001365398.1 and 1 more transcripts); c.-358G>A (NM_001350129.2); c.-449G>A (NM_001350130.2); c.-335G>A (NM_001350131.2); c.-242G>A (NM_001365400.1); c.-301G>A (NM_001365401.1); short protein forms A24T.
Identifiers: ClinVar variation 1053474 (VCV001053474.6), dbSNP rs758933562, ClinGen allele CA1207013.
Genomic context (GRCh38, chr1:161,166,917, plus strand): 5'-ACCGTGGTCGTGCTGGGCGGAGGCATCAGCGGCTTGGCCGCCAGTTACCACCTGAGCCGG[G>A]CCCCCTGCCCCCCTAAGGTGAGTGCTCCACTTGTGCCAGAGGGAGCTTCATTTAATGCTC-3'
Protein context (NP_001116236.1, residues 14-34): GLAASYHLSR[Ala24Thr]PCPPKVVLVE

ClinVar aggregate classification (germline): Uncertain significance (1 of 4 stars; one submission).

Allele frequency attached by ClinVar (database versions not stated): gnomAD exomes 0.00001; ExAC 0.00002.

Submission:

Labcorp Genetics (formerly Invitae), Labcorp
Classification: Uncertain significance. Last evaluated: 2021-08-27. Review status: criteria provided, single submitter. Criteria: Invitae Variant Classification Sherloc (09022015). Collection method: clinical testing. Allele origin: germline.
Comment: This sequence change replaces alanine with threonine at codon 24 of the PPOX protein (p.Ala24Thr). The alanine residue is weakly conserved and there is a small physicochemical difference between alanine and threonine. This variant is present in population databases (rs758933562, ExAC 0.02%). This variant has not been reported in the literature in individuals affected with PPOX-related conditions. Algorithms developed to predict the effect of missense changes on protein structure and function (SIFT, PolyPhen-2, Align-GVGD) all suggest that this variant is likely to be tolerated. In summary, the available evidence is currently insufficient to determine the role of this variant in disease. Therefore, it has been classified as a Variant of Uncertain Significance.